The following is an entry in ClinVar:

NM_005886.3(KATNB1):c.1061C>G (p.Ser354Ter)

Gene: KATNB1 (katanin regulatory subunit B1; plus strand). Cytogenetic location: 16q21.
Variant type: single nucleotide variant.
Coding change: c.1061C>G on transcript NM_005886.3 (MANE Select); coding-DNA position 1061, C replaced by G.
Protein change: p.Ser354Ter; replaces serine 354 with a stop codon.
Molecular consequence: nonsense.
Genome position (GRCh38, 1-based): chr16:57,753,403, C>G. VCF-style: chr16-57753403-C-G. GRCh37 (hg19) VCF-style: chr16-57787315-C-G.
Other names: short protein forms S354*.
Identifiers: ClinVar variation 3731466 (VCV003731466.1).

ClinVar aggregate classification (germline): Likely pathogenic (1 of 4 stars; one submission).

Conditions:
Lissencephaly 6 with microcephaly. Identifiers: Orphanet 1083, MedGen C4015525, MONDO:0014534, OMIM 616212.

Submission:

Neuberg Centre For Genomic Medicine, NCGM
Classification: Likely pathogenic for Lissencephaly 6 with microcephaly. Review status: criteria provided, single submitter. Criteria: ACMG Guidelines, 2015. Collection method: clinical testing. Allele origin: germline. Inheritance: Autosomal recessive inheritance. Affected: yes.
Comment: The stop gained c.1061C>G (p.Ser354Ter) variant in KATNB1 gene has not been reported previously as a pathogenic variant nor as a benign variant, to our knowledge. The p.Ser354Ter variant is absent in gnomAD Exomes. This variant has not been submitted to the ClinVar database. Computational evidence (MutationTaster - Disease causing) predicts damaging effect on protein structure and function for this variant. The nucleotide change c.1061C>G in KATNB1 is predicted as conserved by GERP++ and PhyloP across 100 vertebrates. This sequence change creates a premature translational stop signal (p.Ser354Ter) in the KATNB1 gene. This variant is predicted to cause loss of normal protein function through protein truncation. Loss of function variants have been previously reported to be pathogenic. However, additional functional studies will be required to prove the pathogenicity of this variant. For these reasons, this variant has been classified as Likely Pathogenic. In absence of another reportable variant in KATNB1 gene, the molecular diagnosis is not confirmed.